The following is an entry in ClinVar:

ClinVar aggregate classification (germline): Uncertain significance (1 of 4 stars; one submission).

Submission:

Ambry Genetics
Classification: Uncertain significance. Last evaluated: 2023-09-09. Review status: criteria provided, single submitter. Criteria: Ambry Variant Classification Scheme 2023. Collection method: clinical testing. Allele origin: germline.
Comment: The p.P140L variant (also known as c.419C>T), located in coding exon 6 of the RAD54L gene, results from a C to T substitution at nucleotide position 419. The proline at codon 140 is replaced by leucine, an amino acid with similar properties. This amino acid position is conserved. In addition, this alteration is predicted to be deleterious by in silico analysis. Since supporting evidence is limited at this time, the clinical significance of this alteration remains unclear.

NM_003579.4(RAD54L):c.419C>T (p.Pro140Leu)

Gene: RAD54L (RAD54 like; plus strand). Cytogenetic location: 1p34.1.
Variant type: single nucleotide variant.
Coding change: c.419C>T on transcript NM_003579.4 (MANE Select); coding-DNA position 419, C replaced by T.
Protein change: p.Pro140Leu; replaces proline 140 with leucine.
Molecular consequence: missense variant. On other transcripts: 5 prime UTR variant (1).
Genome position (GRCh38, 1-based): chr1:46,260,553, C>T. VCF-style: chr1-46260553-C-T. GRCh37 (hg19) VCF-style: chr1-46726225-C-T.
Other names: c.419C>T, p.Pro140Leu (NM_001142548.2); c.-122C>T (NM_001370766.1); short protein forms P140L.
Identifiers: ClinVar variation 1738616 (VCV001738616.3), dbSNP rs2525667321, ClinGen allele CA340184672.